The following is an entry in ClinVar:

ClinVar aggregate classification (germline): Pathogenic/Likely pathogenic. Review status: criteria provided, multiple submitters, no conflicts (2 of 4 stars). 3 submissions from 3 submitters: Pathogenic (2); Likely pathogenic (1). Last evaluated 2026-09-15.

Conditions:
Inborn genetic diseases. Identifiers: MedGen C0950123, MeSH D030342.
LAMA1-related disorder. Also called: LAMA1-related disorders; LAMA1-related condition.

Allele frequency attached by ClinVar (database versions not stated): gnomAD exomes 0.00001; TOPMed below 0.00001; ExAC 0.00001.

Submissions (3):

PreventionGenetics, part of Exact Sciences
Classification: Likely pathogenic for LAMA1-related condition. Last evaluated: 2026-09-15. Review status: criteria provided, single submitter. Criteria: ACMG Guidelines, 2015. Collection method: clinical testing. Allele origin: germline.
Comment: The LAMA1 c.448delC variant is predicted to result in a frameshift and premature protein termination (p.Gln150Serfs*16). To our knowledge, this variant has not been reported in the literature. This variant is present in 0.0056% of alleles in individuals of Latino descent in gnomAD. Frameshift variants in LAMA1 are an established mechanism of disease. This variant is interpreted as likely pathogenic.

Ambry Genetics
Classification: Pathogenic for Inborn genetic diseases. Last evaluated: 2026-09-11. Review status: criteria provided, single submitter. Criteria: Ambry Variant Classification Scheme 2023. Collection method: clinical testing. Allele origin: germline.
Comment: The c.448delC (p.Q150Sfs*16) alteration, located in exon 4 (coding exon 4) of the LAMA1 gene, consists of a deletion of one nucleotide at position 448, causing a translational frameshift with a predicted alternate stop codon after 16 amino acids. This variant is expected to result in loss of function by premature protein truncation or nonsense-mediated mRNA decay. Based on data from gnomAD, this allele has an overall frequency of 0.001% (3/282772) total alleles studied. The highest observed frequency was 0.014% (1/7224). Based on the available evidence, this alteration is classified as pathogenic.

Labcorp Genetics (formerly Invitae), Labcorp
Classification: Pathogenic. Last evaluated: 2025-07-02. Review status: criteria provided, single submitter. Criteria: Invitae Variant Classification Sherloc (09022015). Collection method: clinical testing. Allele origin: germline.
Comment: This sequence change creates a premature translational stop signal (p.Gln150Serfs*16) in the LAMA1 gene. It is expected to result in an absent or disrupted protein product. Loss-of-function variants in LAMA1 are known to be pathogenic (PMID: 25105227, 26932191). This variant is present in population databases (rs745512712, gnomAD 0.01%). This variant has not been reported in the literature in individuals affected with LAMA1-related conditions. ClinVar contains an entry for this variant (Variation ID: 1918245). For these reasons, this variant has been classified as Pathogenic.

Literature cited by the submitters: PubMed 25105227 (cited by Labcorp Genetics (formerly Invitae), Labcorp); PubMed 26932191 (cited by Labcorp Genetics (formerly Invitae), Labcorp).

NM_005559.4(LAMA1):c.448del (p.Gln150fs)

Gene: LAMA1 (laminin subunit alpha 1; minus strand). Cytogenetic location: 18p11.31.
Variant type: Deletion.
Coding change: c.448del on transcript NM_005559.4 (MANE Select); coding-DNA position 448, one base deleted (C; older notation c.448delC).
Protein change: p.Gln150fs; shifts the reading frame from glutamine 150.
Molecular consequence: frameshift variant.
Genome position (GRCh38, 1-based): chr18:7,050,834, G deleted on the plus strand (C on the coding strand, the reverse complement: LAMA1 is on the minus strand). VCF-style (leftmost placement, unchanged base first): chr18-7050833-TG-T. GRCh37 (hg19) VCF-style: chr18-7050832-TG-T.
Other names: c.448delC (NM_005559.3); short protein forms Q150fs.
Identifiers: ClinVar variation 1918245 (VCV001918245.7), dbSNP rs745512712, ClinGen allele CA8883292.